The following is an entry in ClinVar:

ClinVar aggregate classification (germline): Likely pathogenic. Review status: criteria provided, multiple submitters, no conflicts (2 of 4 stars). 2 submissions from 2 submitters: Likely pathogenic (2). Last evaluated 2024-06-06.

Conditions:
Coenzyme Q10 deficiency, primary, 1. Also called: UBIQUINONE DEFICIENCY 1; COENZYME Q DEFICIENCY 1; CoQ DEFICIENCY 1. Identifiers: Orphanet 255249, MedGen C3551954, MONDO:0011829, OMIM 607426.
Multiple system atrophy 1, susceptibility to. Also called: MSA1, SUSCEPTIBILITY TO. Identifiers: MedGen C3714927, MONDO:0020715, OMIM 146500.

Submissions (2):

Fulgent Genetics
Classification: Likely pathogenic for Multiple system atrophy 1, susceptibility to; Coenzyme Q10 deficiency, primary, 1. Last evaluated: 2024-06-06. Review status: criteria provided, single submitter. Criteria: ACMG Guidelines, 2015. Collection method: clinical testing. Allele origin: germline.

GeneDx
Classification: Likely pathogenic. Last evaluated: 2022-01-22. Review status: criteria provided, single submitter. Criteria: GeneDx Variant Classification Process June 2021. Collection method: clinical testing. Allele origin: germline. Affected: yes.
Comment: Nonsense variant predicted to result in protein truncation or nonsense mediated decay in a gene for which loss-of-function is a known mechanism of disease; Not observed at significant frequency in large population cohorts (gnomAD); Has not been previously published as pathogenic or benign to our knowledge

NM_001358921.2(COQ2):c.71G>A (p.Trp24Ter)

Genes: COQ2 (coenzyme Q2, polyprenyltransferase; minus strand), LOC112997540 (Sharpr-MPRA regulatory region 13773; plus strand). Cytogenetic location: 4q21.23.
Variant type: single nucleotide variant.
Coding change: c.71G>A on transcript NM_001358921.2 (MANE Select); coding-DNA position 71, G replaced by A.
Protein change: p.Trp24Ter; replaces tryptophan 24 with a stop codon.
Molecular consequence: nonsense.
Genome position (GRCh38, 1-based): chr4:83,284,694, C>T on the plus strand (G>A on the coding strand, the complement: COQ2 is on the minus strand). VCF-style: chr4-83284694-C-T. GRCh37 (hg19) VCF-style: chr4-84205847-C-T.
Other names: c.221G>A, p.Trp74Ter (NM_015697.9); short protein forms W24*, W74*.
Identifiers: ClinVar variation 1698355 (VCV001698355.4), dbSNP rs2126177139, ClinGen allele CA357231133.
Genomic context (GRCh38, chr4:83,284,694, plus strand): 5'-TGCAAGTCACCACCGTGGGGCGCGCCTGCCGCACGCGCCAGGGCGAAGGAGCGGCCCCGC[C>T]AGCCCGGCAGCCACGCCAGTGCCACAGCCCGCAGGCCCCGCGCGAACCCCGCGGCTCGCG-3'